The following is an entry in ClinVar:

NM_006565.4(CTCF):c.1376A>G (p.Gln459Arg)

Gene: CTCF (CCCTC-binding factor; plus strand). Cytogenetic location: 16q22.1.
Variant type: single nucleotide variant.
Coding change: c.1376A>G on transcript NM_006565.4 (MANE Select); coding-DNA position 1376, A replaced by G.
Protein change: p.Gln459Arg; replaces glutamine 459 with arginine.
Molecular consequence: missense variant.
Genome position (GRCh38, 1-based): chr16:67,626,573, A>G. VCF-style: chr16-67626573-A-G. GRCh37 (hg19) VCF-style: chr16-67660476-A-G.
Other names: c.1376A>G, p.Gln459Arg (NM_001438968.1, NM_001438969.1, NM_001363916.2); c.392A>G, p.Gln131Arg (NM_001191022.2); short protein forms Q131R, Q459R.
Identifiers: ClinVar variation 4294057 (VCV004294057.1).
Genomic context (GRCh38, chr16:67,626,573, plus strand): 5'-TTGTGTTTTCACATTACCCTGGGCTTTTTACTGTGCTTTCAGGTGTCCACTTGCGAAAGC[A>G]GCATTCCTATATTGAGCAAGGCAAGAAATGCCGTTACTGTGATGCTGTGTTTCATGAGCG-3'
Protein context (NP_006556.1, residues 449-469): KSDLGVHLRK[Gln459Arg]HSYIEQGKKC

ClinVar aggregate classification (germline): Uncertain significance (1 of 4 stars; one submission).

Conditions:
CTCF-related neurodevelopmental disorder. Also called: Intellectual disability-feeding difficulties-developmental delay-microcephaly syndrome; INTELLECTUAL DEVELOPMENTAL DISORDER, AUTOSOMAL DOMINANT 21. Identifiers: Orphanet 363611, MedGen C3809686, MONDO:0014213, OMIM 615502.

Submission:

3billion
Classification: Uncertain significance for CTCF-related neurodevelopmental disorder. Last evaluated: 2025-02-27. Review status: criteria provided, single submitter. Criteria: ACMG Guidelines, 2015. Collection method: clinical testing. Allele origin: germline. Affected: yes.
Comment: The variant is not observed in the gnomAD v4.1.0 dataset. Predicted Consequence/Location: Missense variant In silico tool predictions suggest damaging effect of the variant on gene or gene product [3Cnet: 0.99 (> 0.75, sensitivity 0.96 and precision 0.92)]. A different missense change at the same codon (p.Gln459Pro) has been reported to be associated with CTCF-related disorder (ClinVar ID: VCV002573041). Therefore, this variant is classified as VUS according to the recommendation of ACMG/AMP guideline.